The following is an entry in ClinVar:

ClinVar aggregate classification (germline): Conflicting classifications of pathogenicity. Review status: criteria provided, conflicting classifications (1 of 4 stars). 3 submissions from 3 submitters: Uncertain significance (1); Likely benign (2). Last evaluated 2026-04-01.

Conditions:
DYNC1H1-related disorder. Also called: DYNC1H1-related condition; DYNC1H1-related disorders. Identifiers: MedGen CN381529.
Charcot-Marie-Tooth disease axonal type 2O. Also called: Charcot-Marie-Tooth Neuropathy Type 2O; Charcot-Marie-Tooth disease, axonal, type 20; CHARCOT-MARIE-TOOTH DISEASE, AXONAL, AUTOSOMAL DOMINANT, TYPE 2O; CHARCOT-MARIE-TOOTH NEUROPATHY, AXONAL, TYPE 2O. Identifiers: Orphanet 284232, MedGen C3280220, MONDO:0013644, OMIM 614228.

Allele frequency attached by ClinVar (database versions not stated): gnomAD 0.00003; TOPMed 0.00003; ExAC 0.00005.
gnomAD v4.1: 42 of 1,614,130 alleles (0.0026%); highest among the groups gnomAD compares: Non-Finnish European, 0.0033%; no homozygotes.

Submissions (3):

CeGaT Center for Human Genetics Tuebingen
Classification: Likely benign. Last evaluated: 2026-04-01. Review status: criteria provided, single submitter. Criteria: CeGaT Center For Human Genetics Tuebingen Variant Classification Criteria Version 2. Collection method: clinical testing. Allele origin: germline. Affected: yes. Observed: 1 variant allele.
Comment: DYNC1H1: BS2

PreventionGenetics, part of Exact Sciences
Classification: Uncertain significance for DYNC1H1-related condition. Last evaluated: 2026-01-15. Review status: criteria provided, single submitter. Criteria: ACMG Guidelines, 2015. Collection method: clinical testing. Allele origin: germline.
Comment: The DYNC1H1 c.12745C>G variant is predicted to result in the amino acid substitution p.Gln4249Glu. To our knowledge, this variant has not been reported in the literature. This variant is present in 0.0077% of alleles in individuals of European (Non-Finnish) descent in gnomAD. At this time, the clinical significance of this variant is uncertain due to the absence of conclusive functional and genetic evidence.

Labcorp Genetics (formerly Invitae), Labcorp
Classification: Likely benign for Charcot-Marie-Tooth disease axonal type 2O. Last evaluated: 2025-12-21. Review status: criteria provided, single submitter. Criteria: Invitae Variant Classification Sherloc (09022015). Collection method: clinical testing. Allele origin: germline.

NM_001376.5(DYNC1H1):c.12745C>G (p.Gln4249Glu)

Gene: DYNC1H1 (dynein cytoplasmic 1 heavy chain 1; plus strand). Cytogenetic location: 14q32.31.
Variant type: single nucleotide variant.
Coding change: c.12745C>G on transcript NM_001376.5 (MANE Select); coding-DNA position 12745, C replaced by G.
Protein change: p.Gln4249Glu; replaces glutamine 4249 with glutamic acid.
Molecular consequence: missense variant.
Genome position (GRCh38, 1-based): chr14:102,044,334, C>G. VCF-style: chr14-102044334-C-G. GRCh37 (hg19) VCF-style: chr14-102510671-C-G.
Other names: c.12745C>G (NM_001376.4); short protein forms Q4249E.
Identifiers: ClinVar variation 1001401 (VCV001001401.11), dbSNP rs757275255, ClinGen allele CA7354026.